The following is an entry in ClinVar:

NM_001164665.2(KIAA1549):c.3913G>A (p.Val1305Met)

Gene: KIAA1549 (KIAA1549; minus strand). Cytogenetic location: 7q34.
Variant type: single nucleotide variant.
Coding change: c.3913G>A on transcript NM_001164665.2 (MANE Select); coding-DNA position 3913, G replaced by A.
Protein change: p.Val1305Met; replaces valine 1305 with methionine.
Molecular consequence: missense variant.
Genome position (GRCh38, 1-based): chr7:138,894,461, C>T on the plus strand (G>A on the coding strand, the complement: KIAA1549 is on the minus strand). VCF-style: chr7-138894461-C-T. GRCh37 (hg19) VCF-style: chr7-138579207-C-T.
Other names: c.3913G>A, p.Val1305Met (NM_020910.3); short protein forms V1305M.
Identifiers: ClinVar variation 838665 (VCV000838665.8), dbSNP rs373413285, ClinGen allele CA4506066.

ClinVar aggregate classification (germline): Uncertain significance (1 of 4 stars; one submission).

Allele frequency attached by ClinVar (database versions not stated): gnomAD exomes 0.00003 and 0.00001; ESP Exome Variant Server 0.00008; gnomAD 0.00001; TOPMed 0.00001; ExAC 0.00003.
gnomAD v4.1: 19 of 1,613,930 alleles (0.0012%); highest among the groups gnomAD compares: East Asian, 0.0045%; no homozygotes.

Submission:

Labcorp Genetics (formerly Invitae), Labcorp
Classification: Uncertain significance. Last evaluated: 2022-06-08. Review status: criteria provided, single submitter. Criteria: Invitae Variant Classification Sherloc (09022015). Collection method: clinical testing. Allele origin: germline.
Comment: In summary, the available evidence is currently insufficient to determine the role of this variant in disease. Therefore, it has been classified as a Variant of Uncertain Significance. Algorithms developed to predict the effect of missense changes on protein structure and function are either unavailable or do not agree on the potential impact of this missense change (SIFT: "Deleterious"; PolyPhen-2: "Probably Damaging"; Align-GVGD: "Class C15"). ClinVar contains an entry for this variant (Variation ID: 838665). This variant has not been reported in the literature in individuals affected with KIAA1549-related conditions. This variant is present in population databases (rs373413285, gnomAD 0.01%). This sequence change replaces valine, which is neutral and non-polar, with methionine, which is neutral and non-polar, at codon 1305 of the KIAA1549 protein (p.Val1305Met).